The following is an entry in ClinVar:

ClinVar aggregate classification (germline): Conflicting classifications of pathogenicity. Review status: criteria provided, conflicting classifications (1 of 4 stars). 5 submissions from 5 submitters: Uncertain significance (2); Likely benign (2). 1 of the submissions does not count toward it. Last evaluated 2025-08-09.

Conditions:
Peroxisome biogenesis disorder 2A (Zellweger) (PBD2A). Also called: Cerebrohepatorenal syndrome, variant types. Identifiers: Orphanet 912, MedGen C3550273, MONDO:0008954, OMIM 214110.
PEX5-related disorder. Also called: PEX5-related condition; PEX5-Related Disorders.
Inborn genetic diseases. Identifiers: MedGen C0950123, MeSH D030342.
Peroxisome biogenesis disorder 2B (PBD2B). Identifiers: Orphanet 44, MedGen C3550234, MONDO:0008736, OMIM 202370.

Allele frequency attached by ClinVar (database versions not stated): ExAC 0.00002; gnomAD 0.00003; gnomAD exomes 0.00004; TOPMed 0.00004.
gnomAD v4.1: 64 of 1,613,884 alleles (0.004%); highest among the groups gnomAD compares: Non-Finnish European, 0.0052%; no homozygotes.

Submissions (5):

Labcorp Genetics (formerly Invitae), Labcorp
Classification: Likely benign for Peroxisome biogenesis disorder 2B. Last evaluated: 2025-08-09. Review status: criteria provided, single submitter. Criteria: Invitae Variant Classification Sherloc (09022015). Collection method: clinical testing. Allele origin: germline.

Blueprint Genetics
Classification: Likely benign. Last evaluated: 2022-09-07. Review status: criteria provided, single submitter. Criteria: ACMG Guidelines, 2015. Collection method: clinical testing. Allele origin: germline.

Ambry Genetics
Classification: Uncertain significance for Inborn genetic diseases. Last evaluated: 2022-01-13. Review status: criteria provided, single submitter. Criteria: Ambry Variant Classification Scheme 2023. Collection method: clinical testing. Allele origin: germline.
Comment: The c.317-6T>C intronic alteration consists of a T to C substitution 6 nucleotides before coding exon 4 in the PEX5 gene. Based on insufficient or conflicting evidence, the clinical significance of this alteration remains unclear.

Illumina Laboratory Services, Illumina
Classification: Uncertain significance for Peroxisome biogenesis disorder 2A (Zellweger). Last evaluated: 2018-03-02. Review status: criteria provided, single submitter. Criteria: ICSL Variant Classification Criteria 13 December 2019. Collection method: clinical testing. Allele origin: germline.

PreventionGenetics, part of Exact Sciences
Classification: Likely benign for PEX5-related condition. Last evaluated: 2022-12-28. Review status: no assertion criteria provided. Collection method: clinical testing. Allele origin: germline. Not counted in ClinVar's aggregate classification.
Comment: This variant is classified as likely benign based on ACMG/AMP sequence variant interpretation guidelines (Richards et al. 2015 PMID: 25741868, with internal and published modifications).

NM_001351132.2(PEX5):c.317-6T>C

Gene: PEX5 (peroxisomal biogenesis factor 5; plus strand). Cytogenetic location: 12p13.31.
Variant type: single nucleotide variant.
Coding change: c.317-6T>C on transcript NM_001351132.2 (MANE Select); 6 bases into the intron before coding-DNA position 317, T replaced by C.
Molecular consequence: intron variant.
Genome position (GRCh38, 1-based): chr12:7,191,563, T>C. VCF-style: chr12-7191563-T-C. GRCh37 (hg19) VCF-style: chr12-7344159-T-C.
Other names: c.317-6T>C (NM_001351124.3, NM_001131026.2, NM_001351131.2 and 19 more transcripts); c.362-6T>C (NM_001351135.3, NM_001131023.2, NM_001351138.2).
Identifiers: ClinVar variation 883932 (VCV000883932.16), dbSNP rs755945291, ClinGen allele CA6426112.